The following is an entry in ClinVar:

ClinVar aggregate classification (germline): Likely benign (0 of 4 stars; one submission).

Conditions:
PCSK1-related disorder. Also called: PCSK1-related condition.

Submission:

PreventionGenetics, part of Exact Sciences
Classification: Likely benign for PCSK1-related condition. Last evaluated: 2021-12-16. Review status: no assertion criteria provided. Collection method: clinical testing. Allele origin: germline.
Comment: This variant is classified as likely benign based on ACMG/AMP sequence variant interpretation guidelines (Richards et al. 2015 PMID: 25741868, with internal and published modifications).

NM_000439.5(PCSK1):c.1461T>C (p.Ile487=)

Genes: PCSK1 (proprotein convertase subtilisin/kexin type 1; minus strand), CAST (calpastatin; plus strand), LOC101929710 (uncharacterized LOC101929710; plus strand). Cytogenetic location: 5q15.
Variant type: single nucleotide variant.
Coding change: c.1461T>C on transcript NM_000439.5 (MANE Select); coding-DNA position 1461, T replaced by C.
Protein change: p.Ile487=; no amino-acid change (isoleucine 487 retained).
Molecular consequence: synonymous variant. On other transcripts: intron variant (11).
Genome position (GRCh38, 1-based): chr5:96,399,006, A>G on the plus strand (T>C on the coding strand, the complement: PCSK1 is on the minus strand). VCF-style: chr5-96399006-A-G. GRCh37 (hg19) VCF-style: chr5-95734710-A-G.
Other names: c.1320T>C, p.Ile440= (NM_001177875.2); c.-175+19354A>G (NM_001423254.1, NM_001423259.1, NM_001423255.1 and 6 more transcripts); c.-103+19354A>G (NM_001423253.1); c.-40+19354A>G (NM_001423258.1).
Identifiers: ClinVar variation 3059522 (VCV003059522.2), dbSNP rs2531455019, ClinGen allele CA445491642.
Genomic context (GRCh38, chr5:96,399,006, plus strand): 5'-TACATGCTCCAGGGACTTGATAGCATTTTCTTGTCCTTCACAAGCTCTTGTTGGAATTTC[A>G]ATGATAACTTCTCCATTAGCTTTCAGGGCTCTAAATACATTAAAGAATCAGCATTGAATA-3'
Protein context (NP_000430.3, residues 477-497): RALKANGEVI[Ile487=]EIPTRACEGQ